The following is an entry in ClinVar:

NM_000548.5(TSC2):c.2262A>G (p.Pro754=)

Gene: TSC2 (TSC complex subunit 2; plus strand). Cytogenetic location: 16p13.3.
Variant type: single nucleotide variant.
Coding change: c.2262A>G on transcript NM_000548.5 (MANE Select); coding-DNA position 2262, A replaced by G.
Protein change: p.Pro754=; no amino-acid change (proline 754 retained).
Molecular consequence: synonymous variant.
Genome position (GRCh38, 1-based): chr16:2,072,890, A>G. VCF-style: chr16-2072890-A-G. GRCh37 (hg19) VCF-style: chr16-2122891-A-G.
Other names: c.2262A>G, p.Pro754= (NM_001077183.3, NM_001114382.3, NM_001363528.2 and 3 more transcripts); c.2151A>G, p.Pro717= (NM_001318827.2); c.2115A>G, p.Pro705= (NM_001318829.2); c.1662A>G, p.Pro554= (NM_001318831.2); c.2295A>G, p.Pro765= (NM_001318832.2); c.2262A>G (NM_000548.3).
Identifiers: ClinVar variation 1539195 (VCV001539195.10), dbSNP rs2088691180, ClinGen allele CA492952415.

ClinVar aggregate classification (germline): Benign/Likely benign. Review status: criteria provided, multiple submitters, no conflicts (2 of 4 stars). 3 submissions from 3 submitters: Benign (1); Likely benign (2). Last evaluated 2025-05-19.

Conditions:
Tuberous sclerosis 2 (TSC2). Identifiers: Orphanet 805, MedGen C1860707, MONDO:0013199, OMIM 613254.
Hereditary cancer-predisposing syndrome. Also called: Tumor predisposition; Hereditary Cancer Syndrome; Hereditary neoplastic syndrome; Neoplastic Syndromes, Hereditary. Identifiers: Orphanet 140162, MedGen C0027672, MeSH D009386, MONDO:0015356.

Submissions (3):

Myriad Genetics, Inc.
Classification: Benign for Tuberous sclerosis 2. Last evaluated: 2025-05-19. Review status: criteria provided, single submitter. Criteria: Myriad Autosomal Dominant, Autosomal Recessive and X-Linked Classification Criteria (2023). Collection method: clinical testing. Allele origin: unknown.
Comment: This variant is considered benign. This variant is a silent/synonymous amino acid change and it is not expected to impact splicing.

Ambry Genetics
Classification: Likely benign for Hereditary cancer-predisposing syndrome. Last evaluated: 2024-11-05. Review status: criteria provided, single submitter. Criteria: Ambry Variant Classification Scheme 2023. Collection method: clinical testing. Allele origin: germline.

Labcorp Genetics (formerly Invitae), Labcorp
Classification: Likely benign for Tuberous sclerosis 2. Last evaluated: 2024-01-19. Review status: criteria provided, single submitter. Criteria: Invitae Variant Classification Sherloc (09022015). Collection method: clinical testing. Allele origin: germline.